The following is an entry in ClinVar:

NM_004621.6(TRPC6):c.1460A>C (p.Lys487Thr)

Gene: TRPC6 (transient receptor potential cation channel subfamily C member 6; minus strand). Cytogenetic location: 11q22.1.
Variant type: single nucleotide variant.
Coding change: c.1460A>C on transcript NM_004621.6 (MANE Select); coding-DNA position 1460, A replaced by C.
Protein change: p.Lys487Thr; replaces lysine 487 with threonine.
Molecular consequence: missense variant.
Genome position (GRCh38, 1-based): chr11:101,482,999, T>G on the plus strand (A>C on the coding strand, the complement: TRPC6 is on the minus strand). VCF-style: chr11-101482999-T-G. GRCh37 (hg19) VCF-style: chr11-101353730-T-G.
Other names: short protein forms K487T.
Identifiers: ClinVar variation 1918873 (VCV001918873.5), dbSNP rs1479138336, ClinGen allele CA382441428.

ClinVar aggregate classification (germline): Uncertain significance (1 of 4 stars; one submission).

Allele frequency attached by ClinVar (database versions not stated): gnomAD 0.00002; gnomAD exomes 0.00002; TOPMed 0.00002.
gnomAD v4.1: 15 of 1,613,938 alleles (0.00093%); highest among the groups gnomAD compares: Non-Finnish European, 0.0013%; no homozygotes.

Submission:

Labcorp Genetics (formerly Invitae), Labcorp
Classification: Uncertain significance. Last evaluated: 2023-12-07. Review status: criteria provided, single submitter. Criteria: Invitae Variant Classification Sherloc (09022015). Collection method: clinical testing. Allele origin: germline.
Comment: This sequence change replaces lysine, which is basic and polar, with threonine, which is neutral and polar, at codon 487 of the TRPC6 protein (p.Lys487Thr). This variant is present in population databases (no rsID available, gnomAD 0.0009%). This variant has not been reported in the literature in individuals affected with TRPC6-related conditions. ClinVar contains an entry for this variant (Variation ID: 1918873). Advanced modeling of protein sequence and biophysical properties (such as structural, functional, and spatial information, amino acid conservation, physicochemical variation, residue mobility, and thermodynamic stability) performed at Invitae indicates that this missense variant is not expected to disrupt TRPC6 protein function with a negative predictive value of 80%. In summary, the available evidence is currently insufficient to determine the role of this variant in disease. Therefore, it has been classified as a Variant of Uncertain Significance.